The following is an entry in ClinVar:

NM_144596.4(TTC8):c.267C>A (p.Arg89=)

Gene: TTC8 (tetratricopeptide repeat domain 8; plus strand). Cytogenetic location: 14q31.3.
Variant type: single nucleotide variant.
Coding change: c.267C>A on transcript NM_144596.4 (MANE Select); coding-DNA position 267, C replaced by A.
Protein change: p.Arg89=; no amino-acid change (arginine 89 retained).
Molecular consequence: synonymous variant. On other transcripts: 5 prime UTR variant (2), non-coding transcript variant (1).
Genome position (GRCh38, 1-based): chr14:88,840,866, C>A. VCF-style: chr14-88840866-C-A. GRCh37 (hg19) VCF-style: chr14-89307210-C-A.
Other names: c.267C>A (NM_144596.3); c.237C>A, p.Arg79= (NM_001288781.1, NM_001366535.2, NM_001366536.2 and 2 more transcripts); c.-326C>A (NM_001288782.1); c.-421C>A (NM_001288783.1).
Identifiers: ClinVar variation 196599 (VCV000196599.52), dbSNP rs200113889, ClinGen allele CA243607.

ClinVar aggregate classification (germline): Conflicting classifications of pathogenicity. Review status: criteria provided, conflicting classifications (1 of 4 stars). 8 submissions from 7 submitters: Uncertain significance (3); Benign (1); Likely benign (3). 1 of the submissions does not count toward it. Last evaluated 2026-07-01.

Conditions:
TTC8-related disorder. Also called: TTC8-related condition.
Bardet-Biedl syndrome (BBS). Identifiers: Orphanet 110, MedGen C0752166, MONDO:0015229.
Retinitis pigmentosa (RP). Identifiers: Orphanet 791, MedGen C0035334, MeSH D012174, MONDO:0019200, OMIM 268000. Inheritance: Autosomal dominant, autosomal recessive and X linked inheritance.
Bardet-Biedl syndrome 8 (BBS8). Identifiers: Orphanet 110, MedGen C1859566, MONDO:0014436, OMIM 615985.

Allele frequency attached by ClinVar (database versions not stated): gnomAD 0.00007 and 0.00008; ESP Exome Variant Server 0.00008; gnomAD exomes 0.00011 and 0.00025; ExAC 0.00017; TOPMed 0.00019.
gnomAD v4.1: 187 of 1,613,834 alleles (0.012%); highest among the groups gnomAD compares: Middle Eastern, 0.066%; no homozygotes.

Submissions (8):

CeGaT Center for Human Genetics Tuebingen
Classification: Likely benign. Last evaluated: 2026-07-01. Review status: criteria provided, single submitter. Criteria: CeGaT Center For Human Genetics Tuebingen Variant Classification Criteria Version 2. Collection method: clinical testing. Allele origin: germline. Affected: yes. Observed: 2 variant alleles.
Comment: TTC8: BP4, BP7

Labcorp Genetics (formerly Invitae), Labcorp
Classification: Likely benign for Bardet-Biedl syndrome. Last evaluated: 2026-01-26. Review status: criteria provided, single submitter. Criteria: Invitae Variant Classification Sherloc (09022015). Collection method: clinical testing. Allele origin: germline.

Blueprint Genetics
Classification: Likely benign. Last evaluated: 2024-10-07. Review status: criteria provided, single submitter. Criteria: ACMG Guidelines, 2015. Collection method: clinical testing. Allele origin: germline.

ARUP Laboratories, Molecular Genetics and Genomics, ARUP Laboratories
Classification: Benign. Last evaluated: 2019-06-03. Review status: criteria provided, single submitter. Criteria: ARUP Molecular Germline Variant Investigation Process. Collection method: clinical testing. Allele origin: germline.

Illumina Laboratory Services, Illumina
Classification: Uncertain significance for Retinitis pigmentosa. Last evaluated: 2017-04-28. Review status: criteria provided, single submitter. Criteria: ICSL Variant Classification Criteria 13 December 2019. Collection method: clinical testing. Allele origin: germline.

Illumina Laboratory Services, Illumina
Classification: Uncertain significance for Bardet-Biedl syndrome 8. Last evaluated: 2017-04-28. Review status: criteria provided, single submitter. Criteria: ICSL Variant Classification Criteria 13 December 2019. Collection method: clinical testing. Allele origin: germline.
Comment: This variant was observed as part of a predisposition screen in an ostensibly healthy population. A literature search was performed for the gene, cDNA change, and amino acid change (where applicable). Publications were found based on this search. However, the evidence from the literature, in combination with allele frequency data from public databases where available, was not sufficient to rule this variant in or out of causing disease. Therefore, this variant is classified as a variant of unknown significance.

Eurofins Ntd Llc (ga)
Classification: Uncertain significance. Last evaluated: 2014-08-15. Review status: criteria provided, single submitter. Criteria: EGL Classification Definitions 2015. Collection method: clinical testing. Allele origin: germline. Observed: 1 variant allele, 1 heterozygote.

PreventionGenetics, part of Exact Sciences
Classification: Likely benign for TTC8-related condition. Last evaluated: 2023-01-09. Review status: no assertion criteria provided. Collection method: clinical testing. Allele origin: germline. Not counted in ClinVar's aggregate classification.
Comment: This variant is classified as likely benign based on ACMG/AMP sequence variant interpretation guidelines (Richards et al. 2015 PMID: 25741868, with internal and published modifications).

Literature cited by the submitters: PubMed 16308660 (cited by Illumina Laboratory Services, Illumina).